The following is an entry in ClinVar:

NM_001853.4(COL9A3):c.1740del (p.Gly581fs)

Gene: COL9A3 (collagen type IX alpha 3 chain; plus strand). Cytogenetic location: 20q13.33.
Variant type: Deletion.
Coding change: c.1740del on transcript NM_001853.4 (MANE Select); coding-DNA position 1740, one base deleted (T; older notation c.1740delT).
Protein change: p.Gly581fs; shifts the reading frame from glycine 581.
Molecular consequence: frameshift variant.
Genome position (GRCh38, 1-based): chr20:62,837,219, T deleted. VCF-style (leftmost placement, unchanged base first): chr20-62837218-CT-C. GRCh37 (hg19) VCF-style: chr20-61468570-CT-C.
Other names: c.1740del (NM_001853.3); short protein forms G581fs.
Identifiers: ClinVar variation 1419012 (VCV001419012.10), dbSNP rs1375432712, ClinGen allele CA511167764.
Genomic context (GRCh38, chr20:62,837,218, plus strand): 5'-GCCCCCCTGGGCCCCCAGGACCCCCAGGCTCCATTGGTCACCCTGGCGCTCGAGGACCCC[CT>C]GGATACCGCGGTCCCACTGGGGAGCTGGGAGACCCCGGGCCCAGAGGTGAGTGTTTGACC-3'

ClinVar aggregate classification (germline): Conflicting classifications of pathogenicity. Review status: criteria provided, conflicting classifications (1 of 4 stars). 3 submissions from 3 submitters: Likely pathogenic (1); Uncertain significance (2). Last evaluated 2023-12-12.

Allele frequency attached by ClinVar (database versions not stated): gnomAD exomes 0.00001.

Submissions (3):

GeneDx
Classification: Likely pathogenic. Last evaluated: 2023-12-12. Review status: criteria provided, single submitter. Criteria: GeneDx Variant Classification Process June 2021. Collection method: clinical testing. Allele origin: germline. Affected: yes.
Comment: Frameshift variant predicted to result in abnormal protein length as the last 104 amino acids are replaced with 91 different amino acids, and other similar variants have been reported in HGMD; Not observed at significant frequency in large population cohorts (gnomAD); Has not been previously published as pathogenic or benign to our knowledge

Labcorp Genetics (formerly Invitae), Labcorp
Classification: Uncertain significance. Last evaluated: 2021-06-16. Review status: criteria provided, single submitter. Criteria: Invitae Variant Classification Sherloc (09022015). Collection method: clinical testing. Allele origin: germline.
Comment: In summary, the available evidence is currently insufficient to determine the role of this variant in disease. Therefore, it has been classified as a Variant of Uncertain Significance. Experimental studies and prediction algorithms are not available or were not evaluated, and the functional significance of this variant is currently unknown. This variant has not been reported in the literature in individuals with COL9A3-related conditions. This variant is not present in population databases (ExAC no frequency). This sequence change creates a premature translational stop signal (p.Gly581Aspfs*92) in the COL9A3 gene. While this is not anticipated to result in nonsense mediated decay, it is expected to disrupt the last 104 amino acid(s) of the COL9A3 protein.

Blueprint Genetics
Classification: Uncertain significance. Last evaluated: 2018-11-28. Review status: criteria provided, single submitter. Criteria: ACMG Guidelines, 2015. Collection method: clinical testing. Allele origin: germline.